The following is an entry in ClinVar:

NM_177438.3(DICER1):c.846T>C (p.Asn282=)

Gene: DICER1 (dicer 1, ribonuclease III; minus strand). Cytogenetic location: 14q32.13.
Variant type: single nucleotide variant.
Coding change: c.846T>C on transcript NM_177438.3 (MANE Select); coding-DNA position 846, T replaced by C.
Protein change: p.Asn282=; no amino-acid change (asparagine 282 retained).
Molecular consequence: synonymous variant.
Genome position (GRCh38, 1-based): chr14:95,126,637, A>G on the plus strand (T>C on the coding strand, the complement: DICER1 is on the minus strand). VCF-style: chr14-95126637-A-G. GRCh37 (hg19) VCF-style: chr14-95592974-A-G.
Other names: c.846T>C, p.Asn282= (NM_001195573.1, NM_001271282.3, NM_001291628.2 and 1 more transcripts).
Identifiers: ClinVar variation 822473 (VCV000822473.36), dbSNP rs1289583170, ClinGen allele CA487633543.

ClinVar aggregate classification (germline): Benign/Likely benign. Review status: criteria provided, multiple submitters, no conflicts (2 of 4 stars). 4 submissions from 4 submitters: Benign (1); Likely benign (3). Last evaluated 2026-04-15.

Conditions:
DICER1-related tumor predisposition. Also called: DICER1-related pleuropulmonary blastoma cancer predisposition syndrome; DICER1 syndrome. Identifiers: Orphanet 284343, MedGen C3839822, MONDO:0100216.
Hereditary cancer-predisposing syndrome. Also called: Tumor predisposition; Hereditary neoplastic syndrome; Neoplastic Syndromes, Hereditary; Hereditary Cancer Syndrome. Identifiers: Orphanet 140162, MedGen C0027672, MeSH D009386, MONDO:0015356.

Allele frequency attached by ClinVar (database versions not stated): gnomAD exomes below 0.00001 and 0.00001; gnomAD 0.00001.
gnomAD v4.1: 4 of 1,569,612 alleles (0.00025%); highest among the groups gnomAD compares: Non-Finnish European, 0.00026%; no homozygotes.

Submissions (4):

Myriad Genetics, Inc.
Classification: Benign for DICER1-related tumor predisposition. Last evaluated: 2026-04-15. Review status: criteria provided, single submitter. Criteria: Myriad Autosomal Dominant, Autosomal Recessive and X-Linked Classification Criteria (2023). Collection method: clinical testing. Allele origin: unknown.
Comment: This variant is considered benign. This variant is a silent/synonymous amino acid change and it is not expected to impact splicing.

Labcorp Genetics (formerly Invitae), Labcorp
Classification: Likely benign for DICER1-related tumor predisposition. Last evaluated: 2024-03-03. Review status: criteria provided, single submitter. Criteria: Invitae Variant Classification Sherloc (09022015). Collection method: clinical testing. Allele origin: germline.

CeGaT Center for Human Genetics Tuebingen
Classification: Likely benign. Last evaluated: 2023-10-01. Review status: criteria provided, single submitter. Criteria: CeGaT Center For Human Genetics Tuebingen Variant Classification Criteria Version 2. Collection method: clinical testing. Allele origin: germline. Affected: yes. Observed: 1 variant allele.
Comment: DICER1: BP4, BP7

Ambry Genetics
Classification: Likely benign for Hereditary cancer-predisposing syndrome. Last evaluated: 2018-01-10. Review status: criteria provided, single submitter. Criteria: Ambry Variant Classification Scheme 2023. Collection method: clinical testing. Allele origin: germline.